The following is an entry in ClinVar:

ClinVar aggregate classification (germline): Benign/Likely benign. Review status: criteria provided, multiple submitters, no conflicts (2 of 4 stars). 8 submissions from 8 submitters: Benign (3); Likely benign (5). Last evaluated 2026-06-01.

Conditions:
Osteogenesis imperfecta (OI). Identifiers: Orphanet 666, MedGen C0029434, MeSH D010013, MONDO:0019019.
Osteogenesis imperfecta type I (OI1). Also called: OI, TYPE I; OSTEOGENESIS IMPERFECTA TARDA; OSTEOGENESIS IMPERFECTA WITH BLUE SCLERAE; Osteogenesis imperfecta type 1; Lobstein's Disease; Classic Non-deforming Osteogenesis Imperfecta with Blue Sclerae. Identifiers: Orphanet 216796, Orphanet 666, MedGen C0023931, MONDO:0008146, OMIM 166200. Disease mechanism: loss of function.
Cardiovascular phenotype. Identifiers: MedGen CN230736.

Allele frequency attached by ClinVar (database versions not stated): ESP Exome Variant Server 0.00008; gnomAD exomes 0.00015 and 0.00065; gnomAD 0.00026 and 0.00027; TOPMed 0.00033; 1000 Genomes Project 0.00100; 1000 Genomes Project 30x 0.00109; ExAC 0.00112.
gnomAD v4.1: 264 of 1,587,696 alleles (0.017%); highest among the groups gnomAD compares: Admixed American, 0.28%; 1 homozygote.

Submissions (8):

CeGaT Center for Human Genetics Tuebingen
Classification: Likely benign. Last evaluated: 2026-06-01. Review status: criteria provided, single submitter. Criteria: CeGaT Center For Human Genetics Tuebingen Variant Classification Criteria Version 2. Collection method: clinical testing. Allele origin: germline. Affected: yes. Observed: 1 variant allele.
Comment: COL1A1: BP4, BP7, BS1

Labcorp Genetics (formerly Invitae), Labcorp
Classification: Benign for Osteogenesis imperfecta type I. Last evaluated: 2026-02-01. Review status: criteria provided, single submitter. Criteria: Invitae Variant Classification Sherloc (09022015). Collection method: clinical testing. Allele origin: germline.

Mayo Clinic Laboratories, Mayo Clinic
Classification: Likely benign. Last evaluated: 2025-08-29. Review status: criteria provided, single submitter. Criteria: ACMG Guidelines, 2015. Collection method: clinical testing. Allele origin: germline. Observed: 1 variant allele.
Comment: BS1, BP4, BP7

Blueprint Genetics
Classification: Likely benign. Last evaluated: 2023-11-28. Review status: criteria provided, single submitter. Criteria: ACMG Guidelines, 2015. Collection method: clinical testing. Allele origin: germline.

ARUP Laboratories, Molecular Genetics and Genomics, ARUP Laboratories
Classification: Benign. Last evaluated: 2023-02-23. Review status: criteria provided, single submitter. Criteria: ARUP Molecular Germline Variant Investigation Process 2024. Collection method: clinical testing. Allele origin: germline.

Genome Diagnostics Laboratory, The Hospital for Sick Children
Classification: Likely benign for Osteogenesis imperfecta. Last evaluated: 2022-02-23. Review status: criteria provided, single submitter. Criteria: ACMG Guidelines, 2015. Collection method: clinical testing. Allele origin: germline.

Ambry Genetics
Classification: Benign for Cardiovascular phenotype. Last evaluated: 2022-01-18. Review status: criteria provided, single submitter. Criteria: Ambry Variant Classification Scheme 2023. Collection method: clinical testing. Allele origin: germline.

GeneDx
Classification: Likely benign. Last evaluated: 2021-01-07. Review status: criteria provided, single submitter. Criteria: GeneDx Variant Classification Process June 2021. Collection method: clinical testing. Allele origin: germline. Affected: yes.

NM_000088.4(COL1A1):c.2115C>T (p.Asn705=)

Gene: COL1A1 (collagen type I alpha 1 chain; minus strand). Cytogenetic location: 17q21.33.
Variant type: single nucleotide variant.
Coding change: c.2115C>T on transcript NM_000088.4 (MANE Select); coding-DNA position 2115, C replaced by T.
Protein change: p.Asn705=; no amino-acid change (asparagine 705 retained).
Molecular consequence: synonymous variant.
Genome position (GRCh38, 1-based): chr17:50,191,800, G>A on the plus strand (C>T on the coding strand, the complement: COL1A1 is on the minus strand). VCF-style: chr17-50191800-G-A. GRCh37 (hg19) VCF-style: chr17-48269161-G-A.
Other names: p.Asn705=.
Identifiers: ClinVar variation 456743 (VCV000456743.29), dbSNP rs41316673, ClinGen allele CA8644932.